The following is an entry in ClinVar:

ClinVar aggregate classification (germline): Uncertain significance (1 of 4 stars; one submission).

Conditions:
Malignant hyperthermia, susceptibility to, 5 (MHS5). Also called: CACNA1S-Related Malignant Hyperthermia Susceptibility. Identifiers: Orphanet 423, MedGen C1866077, MONDO:0011163, OMIM 601887.
Hypokalemic periodic paralysis, type 1. Also called: Hypokalemic Periodic Paralysis Type 1 (AD); HypoPP. Identifiers: Orphanet 681, MedGen C3714580, MONDO:0042979, OMIM 170400.

Submission:

Labcorp Genetics (formerly Invitae), Labcorp
Classification: Uncertain significance for Hypokalemic periodic paralysis, type 1; Malignant hyperthermia, susceptibility to, 5. Last evaluated: 2023-06-04. Review status: criteria provided, single submitter. Criteria: Invitae Variant Classification Sherloc (09022015). Collection method: clinical testing. Allele origin: germline.
Comment: This sequence change replaces leucine, which is neutral and non-polar, with tryptophan, which is neutral and slightly polar, at codon 1506 of the CACNA1S protein (p.Leu1506Trp). This variant is not present in population databases (gnomAD no frequency). This variant has not been reported in the literature in individuals affected with CACNA1S-related conditions. Advanced modeling of protein sequence and biophysical properties (such as structural, functional, and spatial information, amino acid conservation, physicochemical variation, residue mobility, and thermodynamic stability) has been performed at Invitae for this missense variant, however the output from this modeling did not meet the statistical confidence thresholds required to predict the impact of this variant on CACNA1S protein function. In summary, the available evidence is currently insufficient to determine the role of this variant in disease. Therefore, it has been classified as a Variant of Uncertain Significance.

NM_000069.3(CACNA1S):c.4517T>G (p.Leu1506Trp)

Gene: CACNA1S (calcium voltage-gated channel subunit alpha1 S; minus strand). Cytogenetic location: 1q32.1.
Variant type: single nucleotide variant.
Coding change: c.4517T>G on transcript NM_000069.3 (MANE Select); coding-DNA position 4517, T replaced by G.
Protein change: p.Leu1506Trp; replaces leucine 1506 with tryptophan.
Molecular consequence: missense variant.
Genome position (GRCh38, 1-based): chr1:201,047,551, A>C on the plus strand (T>G on the coding strand, the complement: CACNA1S is on the minus strand). VCF-style: chr1-201047551-A-C. GRCh37 (hg19) VCF-style: chr1-201016679-A-C.
Other names: short protein forms L1506W.
Identifiers: ClinVar variation 2929830 (VCV002929830.3), dbSNP rs2464431238, ClinGen allele CA344143017.